The following is an entry in ClinVar:

NM_000238.4(KCNH2):c.2695A>C (p.Thr899Pro)

Gene: KCNH2 (potassium voltage-gated channel subfamily H member 2; minus strand). Cytogenetic location: 7q36.1.
Variant type: single nucleotide variant.
Coding change: c.2695A>C on transcript NM_000238.4 (MANE Select); coding-DNA position 2695, A replaced by C.
Protein change: p.Thr899Pro; replaces threonine 899 with proline.
Molecular consequence: missense variant.
Genome position (GRCh38, 1-based): chr7:150,947,876, T>G on the plus strand (A>C on the coding strand, the complement: KCNH2 is on the minus strand). VCF-style: chr7-150947876-T-G. GRCh37 (hg19) VCF-style: chr7-150644964-T-G.
Other names: c.2407A>C, p.Thr803Pro (NM_001406753.1); c.1675A>C, p.Thr559Pro (NM_172057.3); short protein forms T559P, T803P, T899P.
Identifiers: ClinVar variation 4757081 (VCV004757081.1).

ClinVar aggregate classification (germline): Uncertain significance (1 of 4 stars; one submission).

Conditions:
Cardiac arrhythmia. Also called: Arrhythmia; Cardiac rhythm disease. Identifiers: MedGen C0003811, MONDO:0007263, HP:0011675.

Submission:

Color Diagnostics, LLC DBA Color Health
Classification: Uncertain significance for Cardiac arrhythmia. Last evaluated: 2025-06-09. Review status: criteria provided, single submitter. Criteria: ACMG Guidelines, 2015. Collection method: clinical testing. Allele origin: germline.
Comment: This missense variant replaces threonine with proline at codon 899 of the KCNH2 protein. Computational prediction suggests that this variant may not impact protein structure and function. To our knowledge, functional studies have not been reported for this variant. This variant has not been reported in individuals affected with KCNH2-related disorders in the literature. This variant has not been identified in the general population by the Genome Aggregation Database (gnomAD). The available evidence is insufficient to determine the role of this variant in disease conclusively. Therefore, this variant is classified as a Variant of Uncertain Significance.